The following is an entry in ClinVar:

ClinVar aggregate classification (germline): Likely benign. Review status: criteria provided, single submitter (1 of 4 stars). 2 submissions from 2 submitters: Likely benign (1). 1 of the submissions does not count toward it. Last evaluated 2024-09-02.

Conditions:
GLB1-related disorder. Also called: GLB1-related disorders. Identifiers: MedGen CN377807.

Allele frequency attached by ClinVar (database versions not stated): gnomAD exomes 0.00004; 1000 Genomes Project 30x 0.00016; 1000 Genomes Project 0.00020; gnomAD 0.00032; TOPMed 0.00032.
gnomAD v4.1: 96 of 1,427,156 alleles (0.0067%); highest among the groups gnomAD compares: African/African-American, 0.11%; no homozygotes.

Submissions (2):

Blueprint Genetics
Classification: Likely benign. Last evaluated: 2024-09-02. Review status: criteria provided, single submitter. Criteria: ACMG Guidelines, 2015. Collection method: clinical testing. Allele origin: germline.

PreventionGenetics, part of Exact Sciences
Classification: Likely benign for GLB1-related condition. Last evaluated: 2019-04-08. Review status: no assertion criteria provided. Collection method: clinical testing. Allele origin: germline. Not counted in ClinVar's aggregate classification.
Comment: This variant is classified as likely benign based on ACMG/AMP sequence variant interpretation guidelines (Richards et al. 2015 PMID: 25741868, with internal and published modifications).

NM_000404.4(GLB1):c.76-4414C>T

Gene: GLB1 (galactosidase beta 1; minus strand). Cytogenetic location: 3p22.3.
Variant type: single nucleotide variant.
Coding change: c.76-4414C>T on transcript NM_000404.4 (MANE Select); 4414 bases into the intron before coding-DNA position 76, C replaced by T.
Molecular consequence: intron variant. On other transcripts: synonymous variant (1).
Genome position (GRCh38, 1-based): chr3:33,077,127, G>A on the plus strand (C>T on the coding strand, the complement: GLB1 is on the minus strand). VCF-style: chr3-33077127-G-A. GRCh37 (hg19) VCF-style: chr3-33118619-G-A.
Other names: c.186C>T, p.Asn62= (NM_001317040.2); c.76-4414C>T (NM_001393580.1, NM_001135602.3); c.-15-4414C>T (NM_001079811.3).
Identifiers: ClinVar variation 3036381 (VCV003036381.3), dbSNP rs138627075, ClinGen allele CA2299804.